The following is an entry in ClinVar:

ClinVar aggregate classification (germline): Uncertain significance (1 of 4 stars; one submission).

Allele frequency attached by ClinVar (database versions not stated): TOPMed below 0.00001.

Submission:

Labcorp Genetics (formerly Invitae), Labcorp
Classification: Uncertain significance. Last evaluated: 2022-01-11. Review status: criteria provided, single submitter. Criteria: Invitae Variant Classification Sherloc (09022015). Collection method: clinical testing. Allele origin: germline.
Comment: In summary, the available evidence is currently insufficient to determine the role of this variant in disease. Therefore, it has been classified as a Variant of Uncertain Significance. Algorithms developed to predict the effect of missense changes on protein structure and function are either unavailable or do not agree on the potential impact of this missense change (SIFT: "Tolerated"; PolyPhen-2: "Probably Damaging"; Align-GVGD: "Class C0"). This variant has not been reported in the literature in individuals affected with COQ9-related conditions. This variant is not present in population databases (gnomAD no frequency). This sequence change replaces valine, which is neutral and non-polar, with methionine, which is neutral and non-polar, at codon 257 of the COQ9 protein (p.Val257Met).

NM_020312.4(COQ9):c.769G>A (p.Val257Met)

Gene: COQ9 (coenzyme Q9; plus strand). Cytogenetic location: 16q21.
Variant type: single nucleotide variant.
Coding change: c.769G>A on transcript NM_020312.4 (MANE Select); coding-DNA position 769, G replaced by A.
Protein change: p.Val257Met; replaces valine 257 with methionine.
Molecular consequence: missense variant.
Genome position (GRCh38, 1-based): chr16:57,459,622, G>A. VCF-style: chr16-57459622-G-A. GRCh37 (hg19) VCF-style: chr16-57493534-G-A.
Other names: short protein forms V257M.
Identifiers: ClinVar variation 1964265 (VCV001964265.5), dbSNP rs1346563736, ClinGen allele CA396030125.